The following is an entry in ClinVar:

ClinVar aggregate classification (germline): Pathogenic/Likely pathogenic. Review status: criteria provided, multiple submitters, no conflicts (2 of 4 stars). 2 submissions from 2 submitters: Pathogenic (1); Likely pathogenic (1). Last evaluated 2023-08-29.

Conditions:
Aplastic anemia. Identifiers: Orphanet 182040, Orphanet 88, MedGen C0002874, MONDO:0015909, OMIM 609135, HP:0001915.
Familial hemophagocytic lymphohistiocytosis 2 (FHL2). Also called: PRF1-Related Familial Hemophagocytic Lymphohistiocytosis (PRF1-fHLH). Identifiers: Orphanet 540, MedGen C1863727, MONDO:0011337, OMIM 603553.

Submissions (2):

Labcorp Genetics (formerly Invitae), Labcorp
Classification: Pathogenic for Familial hemophagocytic lymphohistiocytosis 2. Last evaluated: 2023-08-29. Review status: criteria provided, single submitter. Criteria: Invitae Variant Classification Sherloc (09022015). Collection method: clinical testing. Allele origin: germline.
Comment: This variant is not present in population databases (gnomAD no frequency). This sequence change creates a premature translational stop signal (p.Gln366*) in the PRF1 gene. While this is not anticipated to result in nonsense mediated decay, it is expected to disrupt the last 190 amino acid(s) of the PRF1 protein. For these reasons, this variant has been classified as Pathogenic. This variant has not been reported in the literature in individuals affected with PRF1-related conditions. This variant disrupts a region of the PRF1 protein in which other variant(s) (p.Asp491Asn) have been determined to be pathogenic (PMID: 24390453, 25577959, 33746956). This suggests that this is a clinically significant region of the protein, and that variants that disrupt it are likely to be disease-causing.

Baylor Genetics
Classification: Likely pathogenic for Aplastic anemia. Last evaluated: 2023-03-22. Review status: criteria provided, single submitter. Criteria: ACMG Guidelines, 2015. Collection method: clinical testing. Allele origin: unknown.

Literature cited by the submitters: PubMed 24390453 (cited by Labcorp Genetics (formerly Invitae), Labcorp); PubMed 25577959 (cited by Labcorp Genetics (formerly Invitae), Labcorp); PubMed 33746956 (cited by Labcorp Genetics (formerly Invitae), Labcorp).

NM_001083116.3(PRF1):c.1096C>T (p.Gln366Ter)

Gene: PRF1 (perforin 1; minus strand). Cytogenetic location: 10q22.1.
Variant type: single nucleotide variant.
Coding change: c.1096C>T on transcript NM_001083116.3 (MANE Select); coding-DNA position 1096, C replaced by T.
Protein change: p.Gln366Ter; replaces glutamine 366 with a stop codon.
Molecular consequence: nonsense.
Genome position (GRCh38, 1-based): chr10:70,598,625, G>A on the plus strand (C>T on the coding strand, the complement: PRF1 is on the minus strand). VCF-style: chr10-70598625-G-A. GRCh37 (hg19) VCF-style: chr10-72358381-G-A.
Other names: c.1096C>T, p.Gln366Ter (NM_005041.6); short protein forms Q366*.
Identifiers: ClinVar variation 2678059 (VCV002678059.4), dbSNP rs1848167319, ClinGen allele CA376957336.
Genomic context (GRCh38, chr10:70,598,625, plus strand): 5'-GCCGCCCTGGTGGGCACGGCCGGCTGCAGTCCCTCCAGCGAGCCCTGTCCGTCAGGTACT[G>A]ACTCAGGGCCCTCCTCAGTGCCTCCCGCCGCGGGTCCTGGCTGTCCAGCAGCACGTGCAG-3'